The following is an entry in ClinVar:

ClinVar aggregate classification (germline): Uncertain significance (1 of 4 stars; one submission).

Conditions:
Inborn genetic diseases. Identifiers: MedGen C0950123, MeSH D030342.

Submission:

Ambry Genetics
Classification: Uncertain significance for Inborn genetic diseases. Last evaluated: 2024-09-30. Review status: criteria provided, single submitter. Criteria: Ambry Variant Classification Scheme 2023. Collection method: clinical testing. Allele origin: germline.
Comment: The p.T480S variant (also known as c.1438A>T), located in coding exon 15 of the ERCC2 gene, results from an A to T substitution at nucleotide position 1438. The threonine at codon 480 is replaced by serine, an amino acid with similar properties. This amino acid position is conserved. In addition, this alteration is predicted to be tolerated by in silico analysis. Based on the available evidence, the clinical significance of this variant remains unclear.

NM_000400.4(ERCC2):c.1438A>T (p.Thr480Ser)

Gene: ERCC2 (ERCC excision repair 2, TFIIH core complex helicase subunit; minus strand). Cytogenetic location: 19q13.32.
Variant type: single nucleotide variant.
Coding change: c.1438A>T on transcript NM_000400.4 (MANE Select); coding-DNA position 1438, A replaced by T.
Protein change: p.Thr480Ser; replaces threonine 480 with serine.
Molecular consequence: missense variant.
Genome position (GRCh38, 1-based): chr19:45,357,311, T>A on the plus strand (A>T on the coding strand, the complement: ERCC2 is on the minus strand). VCF-style: chr19-45357311-T-A. GRCh37 (hg19) VCF-style: chr19-45860569-T-A.
Other names: short protein forms T480S.
Identifiers: ClinVar variation 3509879 (VCV003509879.1).